The following is an entry in ClinVar:

ClinVar aggregate classification (germline): Uncertain significance (1 of 4 stars; one submission).

Conditions:
Lymphoproliferative syndrome 1 (LPFS1). Identifiers: Orphanet 238505, Orphanet 538963, MedGen C3552634, MONDO:0013081, OMIM 613011.

Allele frequency attached by ClinVar (database versions not stated): ExAC 0.00001.
gnomAD v4.1: 1 of 1,613,892 alleles (0.000062%); highest among the groups gnomAD compares: South Asian, 0.0011%; no homozygotes.

Submission:

Labcorp Genetics (formerly Invitae), Labcorp
Classification: Uncertain significance for Lymphoproliferative syndrome 1. Last evaluated: 2026-01-26. Review status: criteria provided, single submitter. Criteria: Invitae Variant Classification Sherloc (09022015). Collection method: clinical testing. Allele origin: germline.
Comment: This sequence change replaces methionine, which is neutral and non-polar, with valine, which is neutral and non-polar, at codon 470 of the ITK protein (p.Met470Val). This variant is present in population databases (rs764904457, gnomAD 0.003%). This variant has not been reported in the literature in individuals affected with ITK-related conditions. ClinVar contains an entry for this variant (Variation ID: 1997765). Invitae Evidence Modeling of protein sequence and biophysical properties (such as structural, functional, and spatial information, amino acid conservation, physicochemical variation, residue mobility, and thermodynamic stability) indicates that this missense variant is expected to disrupt ITK protein function with a positive predictive value of 80%. In summary, the available evidence is currently insufficient to determine the role of this variant in disease. Therefore, it has been classified as a Variant of Uncertain Significance.

NM_005546.4(ITK):c.1408A>G (p.Met470Val)

Gene: ITK (IL2 inducible T cell kinase; plus strand). Cytogenetic location: 5q33.3.
Variant type: single nucleotide variant.
Coding change: c.1408A>G on transcript NM_005546.4 (MANE Select); coding-DNA position 1408, A replaced by G.
Protein change: p.Met470Val; replaces methionine 470 with valine.
Molecular consequence: missense variant.
Genome position (GRCh38, 1-based): chr5:157,244,437, A>G. VCF-style: chr5-157244437-A-G. GRCh37 (hg19) VCF-style: chr5-156671447-A-G.
Other names: short protein forms M470V.
Identifiers: ClinVar variation 1997765 (VCV001997765.4), dbSNP rs764904457, ClinGen allele CA3533072.
Genomic context (GRCh38, chr5:157,244,437, plus strand): 5'-CAGCGGGGACTTTTTGCTGCAGAGACCCTGCTGGGCATGTGTCTGGATGTGTGTGAGGGC[A>G]TGGCCTACCTGGAAGAGGCATGTGTCATCCACAGAGACTTGGTATGAGCATGCAGGGTGA-3'
Protein context (NP_005537.3, residues 460-480): LGMCLDVCEG[Met470Val]AYLEEACVIH